The following is an entry in ClinVar:

NM_000360.4(TH):c.197A>C (p.Asp66Ala)

Gene: TH (tyrosine hydroxylase; minus strand). Cytogenetic location: 11p15.5.
Variant type: single nucleotide variant.
Coding change: c.197A>C on transcript NM_000360.4 (MANE Select); coding-DNA position 197, A replaced by C.
Protein change: p.Asp66Ala; replaces aspartic acid 66 with alanine.
Molecular consequence: missense variant.
Genome position (GRCh38, 1-based): chr11:2,169,765, T>G on the plus strand (A>C on the coding strand, the complement: TH is on the minus strand). VCF-style: chr11-2169765-T-G. GRCh37 (hg19) VCF-style: chr11-2190995-T-G.
Other names: c.209A>C, p.Asp70Ala (NM_001440535.1, NM_001440536.1); c.197A>C, p.Asp66Ala (NM_001440537.1); c.290A>C, p.Asp97Ala (NM_199292.3); c.278A>C, p.Asp93Ala (NM_199293.3); short protein forms D66A, D70A, D93A, D97A.
Identifiers: ClinVar variation 4803235 (VCV004803235.1).

ClinVar aggregate classification (germline): Uncertain significance (1 of 4 stars; one submission).

Conditions:
TH-deficient dopa-responsive dystonia. Also called: Tyrosine Hydroxylase-Deficient Dopa-Responsive Dystonia; Segawa syndrome, autosomal recessive; DYT-TH. Identifiers: Orphanet 101150, MedGen C2673535, MONDO:0011551, OMIM 605407.

Submission:

Labcorp Genetics (formerly Invitae), Labcorp
Classification: Uncertain significance for TH-deficient dopa-responsive dystonia. Last evaluated: 2025-09-20. Review status: criteria provided, single submitter. Criteria: Invitae Variant Classification Sherloc (09022015). Collection method: clinical testing. Allele origin: germline.
Comment: This sequence change replaces aspartic acid, which is acidic and polar, with alanine, which is neutral and non-polar, at codon 97 of the TH protein (p.Asp97Ala). This variant is not present in population databases (gnomAD no frequency). This variant has not been reported in the literature in individuals affected with TH-related conditions. Invitae Evidence Modeling of protein sequence and biophysical properties (such as structural, functional, and spatial information, amino acid conservation, physicochemical variation, residue mobility, and thermodynamic stability) has been performed for this missense variant. However, the output from this modeling did not meet the statistical confidence thresholds required to predict the impact of this variant on TH protein function. In summary, the available evidence is currently insufficient to determine the role of this variant in disease. Therefore, it has been classified as a Variant of Uncertain Significance.